The following is an entry in ClinVar:

NM_176824.3(BBS7):c.1891G>T (p.Glu631Ter)

Gene: BBS7 (Bardet-Biedl syndrome 7; minus strand). Cytogenetic location: 4q27.
Variant type: single nucleotide variant.
Coding change: c.1891G>T on transcript NM_176824.3 (MANE Select); coding-DNA position 1891, G replaced by T.
Protein change: p.Glu631Ter; replaces glutamic acid 631 with a stop codon.
Molecular consequence: nonsense.
Genome position (GRCh38, 1-based): chr4:121,828,269, C>A on the plus strand (G>T on the coding strand, the complement: BBS7 is on the minus strand). VCF-style: chr4-121828269-C-A. GRCh37 (hg19) VCF-style: chr4-122749424-C-A.
Other names: c.1891G>T, p.Glu631Ter (NM_018190.4); short protein forms E631*.
Identifiers: ClinVar variation 3644594 (VCV003644594.2).

ClinVar aggregate classification (germline): Pathogenic (1 of 4 stars; one submission).

Conditions:
Bardet-Biedl syndrome (BBS). Identifiers: Orphanet 110, MedGen C0752166, MONDO:0015229.

Submission:

Labcorp Genetics (formerly Invitae), Labcorp
Classification: Pathogenic for Bardet-Biedl syndrome. Last evaluated: 2024-03-05. Review status: criteria provided, single submitter. Criteria: Invitae Variant Classification Sherloc (09022015). Collection method: clinical testing. Allele origin: germline.
Comment: This sequence change creates a premature translational stop signal (p.Glu631*) in the BBS7 gene. It is expected to result in an absent or disrupted protein product. Loss-of-function variants in BBS7 are known to be pathogenic (PMID: 12567324, 19402160, 21209035, 31196119). This variant is not present in population databases (gnomAD no frequency). This variant has not been reported in the literature in individuals affected with BBS7-related conditions. For these reasons, this variant has been classified as Pathogenic.

Literature cited by the submitters: PubMed 12567324; PubMed 19402160; PubMed 21209035; PubMed 31196119.